The following is an entry in ClinVar:

ClinVar aggregate classification (germline): Likely benign. Review status: criteria provided, multiple submitters, no conflicts (2 of 4 stars). 3 submissions from 3 submitters: Likely benign (3). Last evaluated 2022-03-01.

Conditions:
Hereditary cancer-predisposing syndrome. Also called: Hereditary neoplastic syndrome; Neoplastic Syndromes, Hereditary; Tumor predisposition; Hereditary Cancer Syndrome. Identifiers: Orphanet 140162, MedGen C0027672, MeSH D009386, MONDO:0015356.

Submissions (3):

CeGaT Center for Human Genetics Tuebingen
Classification: Likely benign. Last evaluated: 2022-03-01. Review status: criteria provided, single submitter. Criteria: CeGaT Center For Human Genetics Tuebingen Variant Classification Criteria Version 2. Collection method: clinical testing. Allele origin: germline. Affected: yes. Observed: 1 variant allele.
Comment: POLE: PM2:Supporting, BP4, BP7

Labcorp Genetics (formerly Invitae), Labcorp
Classification: Likely benign. Last evaluated: 2022-02-01. Review status: criteria provided, single submitter. Criteria: Invitae Variant Classification Sherloc (09022015). Collection method: clinical testing. Allele origin: germline.

Ambry Genetics
Classification: Likely benign for Hereditary cancer-predisposing syndrome. Last evaluated: 2022-01-28. Review status: criteria provided, single submitter. Criteria: Ambry Variant Classification Scheme 2023. Collection method: clinical testing. Allele origin: germline.

NM_006231.4(POLE):c.771C>T (p.Ile257=)

Gene: POLE (DNA polymerase epsilon, catalytic subunit; minus strand). Cytogenetic location: 12q24.33.
Variant type: single nucleotide variant.
Coding change: c.771C>T on transcript NM_006231.4 (MANE Select); coding-DNA position 771, C replaced by T.
Protein change: p.Ile257=; no amino-acid change (isoleucine 257 retained).
Molecular consequence: synonymous variant.
Genome position (GRCh38, 1-based): chr12:132,677,393, G>A on the plus strand (C>T on the coding strand, the complement: POLE is on the minus strand). VCF-style: chr12-132677393-G-A. GRCh37 (hg19) VCF-style: chr12-133253979-G-A.
Identifiers: ClinVar variation 1760294 (VCV001760294.30), dbSNP rs2542176731, ClinGen allele CA482849815.